The following is an entry in ClinVar:

NM_000059.4(BRCA2):c.9474A>G (p.Thr3158=)

Gene: BRCA2 (BRCA2 DNA repair associated; plus strand). Cytogenetic location: 13q13.1.
Variant type: single nucleotide variant.
Coding change: c.9474A>G on transcript NM_000059.4 (MANE Select); coding-DNA position 9474, A replaced by G.
Protein change: p.Thr3158=; no amino-acid change (threonine 3158 retained).
Molecular consequence: synonymous variant.
Genome position (GRCh38, 1-based): chr13:32,394,906, A>G. VCF-style: chr13-32394906-A-G. GRCh37 (hg19) VCF-style: chr13-32969043-A-G.
Other names: p.Thr3158=.
Identifiers: ClinVar variation 482969 (VCV000482969.15), dbSNP rs1060504608, ClinGen allele CA483271327.

ClinVar aggregate classification (germline): Likely benign. Review status: criteria provided, multiple submitters, no conflicts (2 of 4 stars). 4 submissions from 4 submitters: Likely benign (4). Last evaluated 2025-12-05.

Conditions:
Hereditary cancer-predisposing syndrome. Also called: Neoplastic Syndromes, Hereditary; Tumor predisposition; Hereditary Cancer Syndrome; Hereditary neoplastic syndrome. Identifiers: Orphanet 140162, MedGen C0027672, MeSH D009386, MONDO:0015356.
Hereditary breast ovarian cancer syndrome. Also called: Hereditary breast and ovarian cancer syndrome; Hereditary breast and ovarian cancer; Hereditary breast and ovarian cancer syndrome (HBOC); Breast and ovarian cancer; Hereditary breast and/or ovarian cancer syndrome; BRCA1- and BRCA2-Associated Hereditary Breast and Ovarian Cancer. Identifiers: Orphanet 145, MedGen C0677776, MeSH D061325, MONDO:0003582. Disease mechanism: loss of function.

Allele frequency attached by ClinVar (database versions not stated): gnomAD exomes below 0.00001.
gnomAD v4.1: 1 of 1,614,118 alleles (0.000062%); highest among the groups gnomAD compares: Non-Finnish European, 0.000085%; no homozygotes.

Submissions (4):

Mayo Clinic Laboratories, Mayo Clinic
Classification: Likely benign. Last evaluated: 2025-12-05. Review status: criteria provided, single submitter. Criteria: ACMG Guidelines, 2015. Collection method: clinical testing. Allele origin: germline. Observed: 1 variant allele.
Comment: BP4, BP7

Color Diagnostics, LLC DBA Color Health
Classification: Likely benign for Hereditary cancer-predisposing syndrome. Last evaluated: 2025-10-12. Review status: criteria provided, single submitter. Criteria: ACMG Guidelines, 2015. Collection method: clinical testing. Allele origin: germline.

Labcorp Genetics (formerly Invitae), Labcorp
Classification: Likely benign for Hereditary breast ovarian cancer syndrome. Last evaluated: 2025-06-11. Review status: criteria provided, single submitter. Criteria: Invitae Variant Classification Sherloc (09022015). Collection method: clinical testing. Allele origin: germline.

Ambry Genetics
Classification: Likely benign for Hereditary cancer-predisposing syndrome. Last evaluated: 2015-07-22. Review status: criteria provided, single submitter. Criteria: Ambry Variant Classification Scheme 2023. Collection method: clinical testing. Allele origin: germline.